The following continues an entry in ClinVar:

NM_000543.5(SMPD1):c.1427G>A (p.Arg476Gln)

Gene: SMPD1. ClinVar aggregate classification (germline): Conflicting classifications of pathogenicity. Pathogenic (2); Likely pathogenic (10); Uncertain significance (2).

Submissions 11 to 14 of 14:

Broad Center for Mendelian Genomics, Broad Institute of MIT and Harvard
Classification: Likely pathogenic for Sphingomyelin/cholesterol lipidosis. Last evaluated: 2020-01-22. Review status: criteria provided, single submitter. Criteria: ACMG Guidelines, 2015. Collection method: curation. Allele origin: germline. Inheritance: Autosomal recessive inheritance.
Comment: The p.Arg476Gln variant in SMPD1 (also known as p.Arg474Gln due to a difference in cDNA numbering) has been reported in 1 individual with Niemann-Pick disease (PMID: 264991070) and has been identified in 0.016% (5/30616) of South Asian chromosomes and 0.003% (3/113764) of European (non-Finnish) chromosomes by the Genome Aggregation Database (gnomAD; dbSNP rs763566905). Although this variant has been seen in the general population, its frequency is low enough to be consistent with a recessive carrier frequency. This variant has also been reported in ClinVar (VariationID: 285606) as likely pathogenic by GeneDx. Computational prediction tools and conservation analyses suggest that this variant may impact the protein, though this information is not predictive enough to determine pathogenicity. The presence of this variant in combination with reported pathogenic variant and in an individual with Niemann-Pick disease increases the likelihood that the p.Arg476Gln variant is pathogenic (VariationID: 592260; VariationID: 264991070). One additional pathogenic variant, resulting in a different amino acid change at the same position, p.Arg476Trp, has been reported in association with disease in the literature and ClinVar, supporting that a change at this position may not be tolerated (VariationID: 93315; PMID: 31122880, 12712061, 23252888, 19405096, 29995201, 12369017). In summary, although additional studies are required to fully establish its clinical significance, this variant is likely pathogenic. ACMG/AMP Criteria applied: PM5, PM3, PM2_supporting, PP3 (Richards 2015).

GeneDx
Classification: Likely pathogenic. Last evaluated: 2019-05-02. Review status: criteria provided, single submitter. Criteria: GeneDx Variant Classification Process June 2021. Collection method: clinical testing. Allele origin: germline. Affected: yes.
Comment: The majority of missense variants in this gene are considered pathogenic [(Stenson et al., 2014; other references)]; This variant is associated with the following publications: (PMID: 29140481, 26499107, 31589614)

3billion
Classification: Pathogenic for Niemann-Pick disease, type B. Review status: criteria provided, single submitter. Criteria: ACMG Guidelines, 2015. Collection method: clinical testing. Allele origin: unknown. Affected: yes. Observed: 1 heterozygote.
Comment: The variant is observed at an extremely low frequency in the gnomAD v2.1.1 dataset (total allele frequency: 0.004%). The variant is located in a mutational hot spot and/or well-established functional domain in which established pathogenic variants have been reported. In silico tool predictions suggest damaging effect of the variant on gene or gene product (REVEL: 0.80; 3Cnet: 0.67). Same nucleotide change resulting in same amino acid change has been previously reported as pathogenic/likely pathogenic with strong evidence (ClinVar ID: VCV000385606). Different missense changes at the same codon (p.Arg476Gly, p.Arg476Trp) have been reported as pathogenic/likely pathogenic with strong evidence (ClinVar ID: VCV000093315, VCV000992708 / PMID: 12369017, 33675270). Therefore, this variant is classified as Pathogenic according to the recommendation of ACMG/AMP guideline.

Kariminejad - Najmabadi Pathology & Genetics Center
Classification: Pathogenic for Niemann-Pick disease, type A. Review status: criteria provided, single submitter. Criteria: ACMG Guidelines, 2015. Collection method: clinical testing. Allele origin: germline. Affected: no.

Literature cited by the submitters: PubMed 26499107 (cited by 5 submitters); PubMed 27435900 (cited by Women's Health and Genetics/Laboratory Corporation of America, LabCorp); PubMed 12369017 (cited by Labcorp Genetics (formerly Invitae), Labcorp and 3billion); PubMed 12712061 (cited by Labcorp Genetics (formerly Invitae), Labcorp); PubMed 15234149 (cited by Labcorp Genetics (formerly Invitae), Labcorp); PubMed 23252888 (cited by Labcorp Genetics (formerly Invitae), Labcorp); PubMed 39572736 (cited by Myriad Genetics, Inc.); PubMed 33675270 (cited by 3billion).